The following is an entry in ClinVar:

NM_025009.5(CEP135):c.593T>G (p.Leu198Arg)

Gene: CEP135 (centrosomal protein 135; plus strand). Cytogenetic location: 4q12.
Variant type: single nucleotide variant.
Coding change: c.593T>G on transcript NM_025009.5 (MANE Select); coding-DNA position 593, T replaced by G.
Protein change: p.Leu198Arg; replaces leucine 198 with arginine.
Molecular consequence: missense variant.
Genome position (GRCh38, 1-based): chr4:55,957,343, T>G. VCF-style: chr4-55957343-T-G. GRCh37 (hg19) VCF-style: chr4-56823509-T-G.
Other names: short protein forms L198R.
Identifiers: ClinVar variation 3620344 (VCV003620344.1).

ClinVar aggregate classification (germline): Uncertain significance (1 of 4 stars; one submission).

gnomAD v4.1: 35 of 1,612,836 alleles (0.0022%); highest among the groups gnomAD compares: East Asian, 0.013%; no homozygotes.

Submission:

Labcorp Genetics (formerly Invitae), Labcorp
Classification: Uncertain significance. Last evaluated: 2024-03-03. Review status: criteria provided, single submitter. Criteria: Invitae Variant Classification Sherloc (09022015). Collection method: clinical testing. Allele origin: germline.
Comment: This sequence change replaces leucine, which is neutral and non-polar, with arginine, which is basic and polar, at codon 198 of the CEP135 protein (p.Leu198Arg). This variant is present in population databases (rs374714305, gnomAD 0.01%). This variant has not been reported in the literature in individuals affected with CEP135-related conditions. An algorithm developed to predict the effect of missense changes on protein structure and function (PolyPhen-2) suggests that this variant is likely to be disruptive. In summary, the available evidence is currently insufficient to determine the role of this variant in disease. Therefore, it has been classified as a Variant of Uncertain Significance.